The following is an entry in ClinVar:

ClinVar aggregate classification (germline): Pathogenic (1 of 4 stars; one submission).

Conditions:
Alstrom syndrome (ALMS). Identifiers: Orphanet 64, MedGen C0268425, MONDO:0008763, OMIM 203800.

Submission:

Labcorp Genetics (formerly Invitae), Labcorp
Classification: Pathogenic for Alstrom syndrome. Last evaluated: 2021-01-19. Review status: criteria provided, single submitter. Criteria: Invitae Variant Classification Sherloc (09022015). Collection method: clinical testing. Allele origin: germline.
Comment: This sequence change creates a premature translational stop signal (p.Pro1000Glnfs*28) in the ALMS1 gene. It is expected to result in an absent or disrupted protein product. Loss-of-function variants in ALMS1 are known to be pathogenic (PMID: 17594715). This variant is present in population databases (rs766323360, ExAC 0.02%). This variant has not been reported in the literature in individuals with ALMS1-related conditions. For these reasons, this variant has been classified as Pathogenic.

Literature cited by the submitters: PubMed 17594715.

NM_001378454.1(ALMS1):c.2994_2997del (p.Pro999fs)

Gene: ALMS1 (ALMS1 centrosome and basal body associated protein; plus strand). Cytogenetic location: 2p13.1.
Variant type: Deletion.
Coding change: c.2994_2997del on transcript NM_001378454.1 (MANE Select); coding-DNA positions 2994 to 2997, 4 bases deleted (ACCT; older notation c.2994_2997delACCT).
Protein change: p.Pro999fs; shifts the reading frame from proline 999.
Molecular consequence: frameshift variant.
Genome position (GRCh38, 1-based): chr2:73,449,521-73,449,524, ACCT deleted; deleting any 4 consecutive bases within chr2:73,449,520-73,449,524 gives the same sequence; the c. name uses the placement nearest the transcript's 3' end. VCF-style (leftmost placement, unchanged base first): chr2-73449519-GTACC-G. GRCh37 (hg19) VCF-style: chr2-73676646-GTACC-G.
Other names: c.2997_3000del, p.Pro1000fs (NM_015120.4); short protein forms P999fs, P1000fs.
Identifiers: ClinVar variation 1413871 (VCV001413871.6), dbSNP rs766323360, ClinGen allele CA1713445.